The following is an entry in ClinVar:

ClinVar aggregate classification (germline): Uncertain significance. Review status: criteria provided, multiple submitters, no conflicts (2 of 4 stars). 3 submissions from 3 submitters: Uncertain significance (3). Last evaluated 2026-01-27.

Conditions:
Ullrich congenital muscular dystrophy 2 (UCMD2). Identifiers: Orphanet 75840, MedGen C4225314, MONDO:0014654, OMIM 616470.
Bethlem myopathy 2 (BTHLM2). Identifiers: Orphanet 536516, Orphanet 610, MedGen C4225313, MONDO:0034022, OMIM 616471.

Allele frequency attached by ClinVar (database versions not stated): TOPMed 0.00006; 1000 Genomes Project 30x 0.00016; gnomAD 0.00009; 1000 Genomes Project 0.00020; ESP Exome Variant Server 0.00008.
gnomAD v4.1: 83 of 1,610,568 alleles (0.0052%); highest among the groups gnomAD compares: Non-Finnish European, 0.0068%; no homozygotes.

Submissions (3):

Labcorp Genetics (formerly Invitae), Labcorp
Classification: Uncertain significance for Bethlem myopathy 2; Ullrich congenital muscular dystrophy 2. Last evaluated: 2026-01-27. Review status: criteria provided, single submitter. Criteria: Invitae Variant Classification Sherloc (09022015). Collection method: clinical testing. Allele origin: germline.
Comment: This sequence change replaces serine, which is neutral and polar, with cysteine, which is neutral and slightly polar, at codon 1790 of the COL12A1 protein (p.Ser1790Cys). This variant is present in population databases (rs199684959, gnomAD 0.01%). This variant has not been reported in the literature in individuals affected with COL12A1-related conditions. ClinVar contains an entry for this variant (Variation ID: 1011545). Invitae Evidence Modeling of protein sequence and biophysical properties (such as structural, functional, and spatial information, amino acid conservation, physicochemical variation, residue mobility, and thermodynamic stability) indicates that this missense variant is not expected to disrupt COL12A1 protein function with a negative predictive value of 80%. In summary, the available evidence is currently insufficient to determine the role of this variant in disease. Therefore, it has been classified as a Variant of Uncertain Significance.

Mayo Clinic Laboratories, Mayo Clinic
Classification: Uncertain significance. Last evaluated: 2025-11-14. Review status: criteria provided, single submitter. Criteria: ACMG Guidelines, 2015. Collection method: clinical testing. Allele origin: germline. Observed: 2 variant alleles.
Comment: BP4_moderate

GeneDx
Classification: Uncertain significance. Last evaluated: 2019-05-06. Review status: criteria provided, single submitter. Criteria: GeneDx Variant Classification Process June 2021. Collection method: clinical testing. Allele origin: germline. Affected: yes.
Comment: Has not been previously published as pathogenic or benign to our knowledge; In silico analysis, which includes protein predictors and evolutionary conservation, supports that this variant does not alter protein structure/function

NM_004370.6(COL12A1):c.5369C>G (p.Ser1790Cys)

Gene: COL12A1 (collagen type XII alpha 1 chain; minus strand). Cytogenetic location: 6q13.
Variant type: single nucleotide variant.
Coding change: c.5369C>G on transcript NM_004370.6 (MANE Select); coding-DNA position 5369, C replaced by G.
Protein change: p.Ser1790Cys; replaces serine 1790 with cysteine.
Molecular consequence: missense variant.
Genome position (GRCh38, 1-based): chr6:75,137,462, G>C on the plus strand (C>G on the coding strand, the complement: COL12A1 is on the minus strand). VCF-style: chr6-75137462-G-C. GRCh37 (hg19) VCF-style: chr6-75847178-G-C.
Other names: p.Ser1790Cys; c.1877C>G, p.Ser626Cys (NM_080645.3); short protein forms S1790C, S626C.
Identifiers: ClinVar variation 1011545 (VCV001011545.9), dbSNP rs199684959, ClinGen allele CA3893155.